The following is an entry in ClinVar:

NM_000138.5(FBN1):c.2168-11T>A

Gene: FBN1 (fibrillin 1; minus strand). Cytogenetic location: 15q21.1.
Variant type: single nucleotide variant.
Coding change: c.2168-11T>A on transcript NM_000138.5 (MANE Select); 11 bases into the intron before coding-DNA position 2168, T replaced by A.
Molecular consequence: intron variant.
Genome position (GRCh38, 1-based): chr15:48,497,402, A>T on the plus strand (T>A on the coding strand, the complement: FBN1 is on the minus strand). VCF-style: chr15-48497402-A-T. GRCh37 (hg19) VCF-style: chr15-48789599-A-T.
Other names: c.2168-11T>A (NM_001406716.1).
Identifiers: ClinVar variation 3074020 (VCV003074020.3), dbSNP rs769399615, ClinGen allele CA617838073.
Genomic context (GRCh38, chr15:48,497,402, plus strand): 5'-ACAGATTCCATTTGGGCAAATATCAGGATCTAGTGCACATTCATTTATATCTGCACCACA[A>T]AAAAGGTCAAAATCAATTAAGATTATAAAATAAATACTGAATGAATTGTTAAAAATATAA-3'

ClinVar aggregate classification (germline): Conflicting classifications of pathogenicity. Review status: criteria provided, conflicting classifications (1 of 4 stars). 2 submissions from 2 submitters: Uncertain significance (1); Likely benign (1). Last evaluated 2024-09-16.

Conditions:
Marfan syndrome (MFS). Also called: MARFAN SYNDROME, TYPE I; Marfan syndrome type 1; Marfan's syndrome; Marfan syndrome, classic; FBN1-Related Marfan Syndrome. Identifiers: Orphanet 284963, Orphanet 558, MedGen C0024796, MONDO:0007947, OMIM 154700.
Familial thoracic aortic aneurysm and aortic dissection (TAAD). Also called: Thoracic aortic aneurysms and dissections. Identifiers: Orphanet 91387, MedGen C4707243, MONDO:0019625.

Submissions (2):

Labcorp Genetics (formerly Invitae), Labcorp
Classification: Likely benign for Marfan syndrome; Familial thoracic aortic aneurysm and aortic dissection. Last evaluated: 2024-09-16. Review status: criteria provided, single submitter. Criteria: Invitae Variant Classification Sherloc (09022015). Collection method: clinical testing. Allele origin: germline.

All of Us Research Program, National Institutes of Health
Classification: Uncertain significance for Marfan syndrome. Last evaluated: 2023-10-23. Review status: criteria provided, single submitter. Criteria: ACMG Guidelines, 2015. Collection method: clinical testing. Allele origin: germline. Inheritance: Autosomal dominant inheritance. Observed: 1 variant allele, 1 heterozygote.
Comment: This variant causes a T to A nucleotide substitution at the -11 position of intron 18/65 of the FBN1 gene. To our knowledge, functional studies have not been reported for this variant. This variant has not been reported in individuals affected with FBN1-related disorders in the literature. This variant has not been identified in the general population by the Genome Aggregation Database (gnomAD). The available evidence is insufficient to determine the role of this variant in disease conclusively. Therefore, this variant is classified as a Variant of Uncertain Significance.

This study involves interpretation of variants in research participants for the purpose of population health screening. Participant phenotype was not available at the time of variant classification. Additional details can be found in publication PMID: 35346344, PMCID: PMC8962531